The following is an entry in ClinVar:

NM_177924.5(ASAH1):c.833C>A (p.Pro278Gln)

Gene: ASAH1 (N-acylsphingosine amidohydrolase 1; minus strand). Cytogenetic location: 8p22.
Variant type: single nucleotide variant.
Coding change: c.833C>A on transcript NM_177924.5 (MANE Select); coding-DNA position 833, C replaced by A.
Protein change: p.Pro278Gln; replaces proline 278 with glutamine.
Molecular consequence: missense variant.
Genome position (GRCh38, 1-based): chr8:18,059,656, G>T on the plus strand (C>A on the coding strand, the complement: ASAH1 is on the minus strand). VCF-style: chr8-18059656-G-T. GRCh37 (hg19) VCF-style: chr8-17917165-G-T.
Other names: c.815C>A, p.Pro272Gln (NM_001127505.3); c.638C>A, p.Pro213Gln (NM_001363743.2); c.881C>A, p.Pro294Gln (NM_004315.6); short protein forms P213Q, P272Q, P278Q, P294Q.
Identifiers: ClinVar variation 1518345 (VCV001518345.5), dbSNP rs895669204, ClinGen allele CA173140365.

ClinVar aggregate classification (germline): Uncertain significance (1 of 4 stars; one submission).

Allele frequency attached by ClinVar (database versions not stated): gnomAD exomes below 0.00001; gnomAD 0.00001.
gnomAD v4.1: 2 of 1,614,046 alleles (0.00012%); highest among the groups gnomAD compares: Admixed American, 0.0017%; no homozygotes.

Submission:

Labcorp Genetics (formerly Invitae), Labcorp
Classification: Uncertain significance. Last evaluated: 2022-10-17. Review status: criteria provided, single submitter. Criteria: Invitae Variant Classification Sherloc (09022015). Collection method: clinical testing. Allele origin: germline.
Comment: This sequence change replaces proline, which is neutral and non-polar, with glutamine, which is neutral and polar, at codon 278 of the ASAH1 protein (p.Pro278Gln). This variant is not present in population databases (gnomAD no frequency). This variant has not been reported in the literature in individuals affected with ASAH1-related conditions. ClinVar contains an entry for this variant (Variation ID: 1518345). Advanced modeling of protein sequence and biophysical properties (such as structural, functional, and spatial information, amino acid conservation, physicochemical variation, residue mobility, and thermodynamic stability) performed at Invitae indicates that this missense variant is expected to disrupt ASAH1 protein function. In summary, the available evidence is currently insufficient to determine the role of this variant in disease. Therefore, it has been classified as a Variant of Uncertain Significance.